The following is an entry in ClinVar:

ClinVar aggregate classification (germline): Uncertain significance (1 of 4 stars; one submission).

Conditions:
Hereditary cancer-predisposing syndrome. Also called: Tumor predisposition; Hereditary Cancer Syndrome; Hereditary neoplastic syndrome; Neoplastic Syndromes, Hereditary. Identifiers: Orphanet 140162, MedGen C0027672, MeSH D009386, MONDO:0015356.

Submission:

Ambry Genetics
Classification: Uncertain significance for Hereditary cancer-predisposing syndrome. Last evaluated: 2024-05-28. Review status: criteria provided, single submitter. Criteria: Ambry Variant Classification Scheme 2023. Collection method: clinical testing. Allele origin: germline.
Comment: The p.L48V variant (also known as c.142T>G), located in coding exon 2 of the NBN gene, results from a T to G substitution at nucleotide position 142. The leucine at codon 48 is replaced by valine, an amino acid with highly similar properties. This amino acid position is highly conserved in available vertebrate species. In addition, this alteration is predicted to be deleterious by in silico analysis. Based on the available evidence, the clinical significance of this variant remains unclear.

NM_002485.5(NBN):c.142T>G (p.Leu48Val)

Gene: NBN (nibrin; minus strand). Cytogenetic location: 8q21.3.
Variant type: single nucleotide variant.
Coding change: c.142T>G on transcript NM_002485.5 (MANE Select); coding-DNA position 142, T replaced by G.
Protein change: p.Leu48Val; replaces leucine 48 with valine.
Molecular consequence: missense variant. On other transcripts: 5 prime UTR variant (1).
Genome position (GRCh38, 1-based): chr8:89,982,751, A>C on the plus strand (T>G on the coding strand, the complement: NBN is on the minus strand). VCF-style: chr8-89982751-A-C. GRCh37 (hg19) VCF-style: chr8-90994979-A-C.
Other names: c.-155T>G (NM_001024688.3); short protein forms L48V.
Identifiers: ClinVar variation 3298634 (VCV003298634.1).
Genomic context (GRCh38, chr8:89,982,751, plus strand): 5'-GGAAACTAGTGAAATAAAATTAGTAACATACCAGGTTGGTTACAGAAAAGTTAGCAGTTA[A>C]CACAGCATGATTTCGGCTGATCGACTGATCATTTTCAATCAGAATGGCACAGTTTTTCCT-3'
Protein context (NP_002476.2, residues 38-58): DQSISRNHAV[Leu48Val]TANFSVTNLS